The following is an entry in ClinVar:

ClinVar aggregate classification (germline): Likely pathogenic (1 of 4 stars; one submission).

Conditions:
Ciliary dyskinesia, primary, 48, without situs inversus (CILD48). Identifiers: MedGen C5774214, MONDO:0031054, OMIM 620032.

Submission:

First Genomix Gene Laboratory, Genetic Diagnostics Department
Classification: Likely pathogenic for Ciliary dyskinesia, primary, 48, without situs inversus. Last evaluated: 2025-03-26. Review status: criteria provided, single submitter. Criteria: ACMG Guidelines, 2015. Collection method: clinical testing. Allele origin: germline. Inheritance: Autosomal recessive inheritance. Affected: no. Observed: 1 variant allele.

NM_003551.3(NME5):c.414_417dup (p.Arg140fs)

Gene: NME5 (NME/NM23 family member 5; minus strand). Cytogenetic location: 5q31.2.
Variant type: Duplication.
Coding change: c.414_417dup on transcript NM_003551.3 (MANE Select); coding-DNA positions 414 to 417, 4 bases duplicated (AATA; older notation c.414_417dupAATA).
Protein change: p.Arg140fs; shifts the reading frame from arginine 140.
Molecular consequence: frameshift variant.
Genome position (GRCh38, 1-based): chr5:138,128,498-138,128,501, TATT duplicated on the plus strand (AATA on the coding strand, the reverse complement: NME5 is on the minus strand); duplicating any 4 consecutive bases within chr5:138,128,498-138,128,502 gives the same sequence; the c. name uses the placement nearest the transcript's 3' end. VCF-style (leftmost placement, unchanged base first): chr5-138128497-G-GTATT. GRCh37 (hg19) VCF-style: chr5-137464186-G-GTATT.
Other names: c.414_417dupAATA (NM_003551.3); short protein forms R140fs.
Identifiers: ClinVar variation 4845815 (VCV004845815.1).